The following is an entry in ClinVar:

ClinVar aggregate classification (germline): Uncertain significance. Review status: criteria provided, multiple submitters, no conflicts (2 of 4 stars). 2 submissions from 2 submitters: Uncertain significance (2). Last evaluated 2025-03-20.

Conditions:
Developmental and epileptic encephalopathy, 30 (DEE30). Also called: Epileptic encephalopathy, early infantile, 30. Identifiers: MedGen C4225360, MONDO:0014595, OMIM 616341.

Allele frequency attached by ClinVar (database versions not stated): gnomAD exomes 0.00003; TOPMed 0.00003.

Submissions (2):

Labcorp Genetics (formerly Invitae), Labcorp
Classification: Uncertain significance for Developmental and epileptic encephalopathy, 30. Last evaluated: 2025-03-20. Review status: criteria provided, single submitter. Criteria: Invitae Variant Classification Sherloc (09022015). Collection method: clinical testing. Allele origin: germline.
Comment: This sequence change replaces proline, which is neutral and non-polar, with leucine, which is neutral and non-polar, at codon 707 of the SIK1 protein (p.Pro707Leu). The frequency data for this variant in the population databases is considered unreliable, as metrics indicate poor data quality at this position in the gnomAD database. This variant has not been reported in the literature in individuals affected with SIK1-related conditions. ClinVar contains an entry for this variant (Variation ID: 949195). Invitae Evidence Modeling of protein sequence and biophysical properties (such as structural, functional, and spatial information, amino acid conservation, physicochemical variation, residue mobility, and thermodynamic stability) indicates that this missense variant is not expected to disrupt SIK1 protein function with a negative predictive value of 95%. In summary, the available evidence is currently insufficient to determine the role of this variant in disease. Therefore, it has been classified as a Variant of Uncertain Significance.

Women's Health and Genetics/Laboratory Corporation of America, LabCorp
Classification: Uncertain significance. Last evaluated: 2023-03-20. Review status: criteria provided, single submitter. Criteria: LabCorp Variant Classification Summary - May 2015. Collection method: clinical testing. Allele origin: germline.
Comment: Variant summary: SNF1LK c.2120C>T (p.Pro707Leu) results in a non-conservative amino acid change in the encoded protein sequence. Three of five in-silico tools predict a damaging effect of the variant on protein function. The frequency of this variant in the general population could not be determined as the allele frequency estimates in gnomAD may not be reliable at this position. To our knowledge, no occurrence of c.2120C>T in individuals affected with Developmental And Epileptic Encephalopathy, 30 and no experimental evidence demonstrating its impact on protein function have been reported. One clinical diagnostic laboratory has submitted clinical-significance assessments for this variant to ClinVar after 2014 and classified the variant as uncertain significance. Based on the evidence outlined above, the variant was classified as uncertain significance.

NM_173354.5(SIK1):c.2120C>T (p.Pro707Leu)

Gene: SIK1 (salt inducible kinase 1; minus strand). Cytogenetic location: 21q22.3.
Variant type: single nucleotide variant.
Coding change: c.2120C>T on transcript NM_173354.5 (MANE Select); coding-DNA position 2120, C replaced by T.
Protein change: p.Pro707Leu; replaces proline 707 with leucine.
Molecular consequence: missense variant.
Genome position (GRCh38, 1-based): chr21:43,416,974, G>A on the plus strand (C>T on the coding strand, the complement: SIK1 is on the minus strand). VCF-style: chr21-43416974-G-A. GRCh37 (hg19) VCF-style: chr21-44836854-G-A.
Other names: c.2120C>T (NM_173354.4); short protein forms P707L.
Identifiers: ClinVar variation 949195 (VCV000949195.10), dbSNP rs988303758, ClinGen allele CA321324450.
Genomic context (GRCh38, chr21:43,416,974, plus strand): 5'-AGCTGCGCCGCTGAGGCCACCGGGGACGCGCCGGTCTGCAGGAGTGGGGGCGGCAGCAGC[G>A]GGAGCCCCGACGTGAGGAGGGTGCTGGGGAGCGGGGCAGCCCCAGGGCCATCACAGGGGG-3'
Protein context (NP_775490.2, residues 697-717): LPSTLLTSGL[Pro707Leu]LLPPPLLQTG